The following is an entry in ClinVar:

ClinVar aggregate classification (germline): Benign/Likely benign. Review status: criteria provided, multiple submitters, no conflicts (2 of 4 stars). 4 submissions from 4 submitters: Benign (1); Likely benign (2). 1 of the submissions does not count toward it. Last evaluated 2018-06-16.

Allele frequency attached by ClinVar (database versions not stated): ESP Exome Variant Server 0.01376; ExAC 0.01777; gnomAD exomes 0.01838; 1000 Genomes Project 30x 0.03389; gnomAD 0.03477 and 0.03623; TOPMed 0.03515; 1000 Genomes Project 0.03654.
gnomAD v4.1: 16,295 of 677,942 alleles (2.4%); highest among the groups gnomAD compares: African/African-American, 7.3%; 320 homozygotes.

Submissions (4):

GeneDx
Classification: Benign. Last evaluated: 2018-06-16. Review status: criteria provided, single submitter. Criteria: GeneDx Variant Classification (06012015). Collection method: clinical testing. Allele origin: germline. Affected: yes.
Comment: This variant is considered likely benign or benign based on one or more of the following criteria: it is a conservative change, it occurs at a poorly conserved position in the protein, it is predicted to be benign by multiple in silico algorithms, and/or has population frequency not consistent with disease.

Breakthrough Genomics
Classification: Likely benign. Review status: criteria provided, single submitter. Criteria: ACMG Guidelines, 2015. Collection method: not provided. Allele origin: germline. Inheritance: Autosomal recessive inheritance. Affected: yes.

PreventionGenetics, part of Exact Sciences
Classification: Likely benign. Review status: criteria provided, single submitter. Criteria: ACMG Guidelines, 2015. Collection method: clinical testing. Allele origin: germline.

Genetic Services Laboratory, University of Chicago
Classification: Likely benign for AllHighlyPenetrant. Review status: no assertion criteria provided. Collection method: clinical testing. Allele origin: germline. Inheritance: Autosomal recessive inheritance. Observed: 7 variant alleles. Not counted in ClinVar's aggregate classification.
Comment: Likely benign based on allele frequency in 1000 Genomes Project or ESP global frequency and its presence in a patient with a rare or unrelated disease phenotype. NOT Sanger confirmed.

NM_025114.4(CEP290):c.2368-37T>G

Gene: CEP290 (centrosomal protein 290; minus strand). Cytogenetic location: 12q21.32.
Variant type: single nucleotide variant.
Coding change: c.2368-37T>G on transcript NM_025114.4 (MANE Select); 37 bases into the intron before coding-DNA position 2368, T replaced by G.
Molecular consequence: intron variant.
Genome position (GRCh38, 1-based): chr12:88,109,218, A>C on the plus strand (T>G on the coding strand, the complement: CEP290 is on the minus strand). VCF-style: chr12-88109218-A-C. GRCh37 (hg19) VCF-style: chr12-88502995-A-C.
Identifiers: ClinVar variation 126250 (VCV000126250.8), dbSNP rs115837670, ClinGen allele CA150896.